The following is an entry in ClinVar:

NM_005263.5(GFI1):c.577G>A (p.Ala193Thr)

Gene: GFI1 (growth factor independent 1 transcriptional repressor; minus strand). Cytogenetic location: 1p22.1.
Variant type: single nucleotide variant.
Coding change: c.577G>A on transcript NM_005263.5 (MANE Select); coding-DNA position 577, G replaced by A.
Protein change: p.Ala193Thr; replaces alanine 193 with threonine.
Molecular consequence: missense variant.
Genome position (GRCh38, 1-based): chr1:92,480,810, C>T on the plus strand (G>A on the coding strand, the complement: GFI1 is on the minus strand). VCF-style: chr1-92480810-C-T. GRCh37 (hg19) VCF-style: chr1-92946367-C-T.
Other names: c.577G>A, p.Ala193Thr (NM_001127215.3, NM_001127216.3); short protein forms A193T.
Identifiers: ClinVar variation 3519815 (VCV003519815.1).

ClinVar aggregate classification (germline): Uncertain significance (1 of 4 stars; one submission).

gnomAD v4.1: 8 of 1,578,562 alleles (0.00051%); highest among the groups gnomAD compares: South Asian, 0.0012%; no homozygotes.

Submission:

Ambry Genetics
Classification: Uncertain significance. Last evaluated: 2024-11-20. Review status: criteria provided, single submitter. Criteria: Ambry Variant Classification Scheme 2023. Collection method: clinical testing. Allele origin: germline.
Comment: The p.A193T variant (also known as c.577G>A), located in coding exon 3 of the GFI1 gene, results from a G to A substitution at nucleotide position 577. The alanine at codon 193 is replaced by threonine, an amino acid with similar properties. This amino acid position is conserved. In addition, this alteration is predicted to be tolerated by in silico analysis. Based on the available evidence, the clinical significance of this variant remains unclear.